The following is an entry in ClinVar:

NM_018297.4(NGLY1):c.948_949insTTTTTTTTTTTTTTTTTTTTNNNNNNNNNNGACCTCGTGATCCGCCCGCCTCGGCCTCCCAAAGTGCTGGGATTACAGGCGTGAGCCACCGCGCCCGGCCGGGCCAATTGTTTT (p.Thr317delinsPhePhePhePhePhePheXaaXaaXaaXaaAspLeuValIleArgProProArgProProLysValLeuGlyLeuGlnAlaTer)

Gene: NGLY1 (N-glycanase 1; minus strand). Cytogenetic location: 3p24.2.
Variant type: Microsatellite.
Coding change: c.948_949insTTTTTTTTTTTTTTTTTTTTNNNNNNNNNNGACCTCGTGATCCGCCCGCCTCGGCCTCCCAAAGTGCTGGGATTACAGGCGTGAGCCACCGCGCCCGGCCGGGCCAATTGTTTT on transcript NM_018297.4 (MANE Select); coding-DNA positions 948 to 949, TTTTTTTTTTTTTTTTTTTTNNNNNNNNNNGACCTCGTGATCCGCCCGCCTCGGCCTCCCAAAGTGCTGGGATTACAGGCGTGAGCCACCGCGCCCGGCCGGGCCAATTGTTTT inserted.
Protein change: p.Thr317delinsPhePhePhePhePhePheXaaXaaXaaXaaAspLeuValIleArgProProArgProProLysValLeuGlyLeuGlnAlaTer.
Molecular consequence: nonsense.
Genome position: GRCh38: chr3:25,737,389-25,737,402. GRCh37 (hg19): chr3:25,778,880-25,778,893.
Other names: c.948_949insTTTTTTTTTTTTTTTTTTTTNNNNNNNNNNGACCTCGTGATCCGCCCGCCTCGGCCTCCCAAAGTGCTGGGATTACAGGCGTGAGCCACCGCGCCCGGCCGGGCCAATTGTTTT, p.Thr317delinsPhePhePhePhePhePheXaaXaaXaaXaaAspLeuValIleArgProProArgProProLysValLeuGlyLeuGlnAlaTer (NM_001145293.2, NM_001145295.2); c.822_823insTTTTTTTTTTTTTTTTTTTTNNNNNNNNNNGACCTCGTGATCCGCCCGCCTCGGCCTCCCAAAGTGCTGGGATTACAGGCGTGAGCCACCGCGCCCGGCCGGGCCAATTGTTTT, p.Thr275delinsPhePhePhePhePhePheXaaXaaXaaXaaAspLeuValIleArgProProArgProProLysValLeuGlyLeuGlnAlaTer (NM_001145294.2).
Identifiers: ClinVar variation 1431487 (VCV001431487.7).

ClinVar aggregate classification (germline): Pathogenic (1 of 4 stars; one submission).

Conditions:
Congenital disorder of deglycosylation (CDDG). Identifiers: MedGen C3808991, MONDO:0031376.

Submission:

Labcorp Genetics (formerly Invitae), Labcorp
Classification: Pathogenic for Congenital disorder of deglycosylation. Last evaluated: 2024-11-05. Review status: criteria provided, single submitter. Criteria: Invitae Variant Classification Sherloc (09022015). Collection method: clinical testing. Allele origin: germline.
Comment: This sequence change inserts a large fragment of DNA, likely a transposable element, in exon 6 of the NGLY1 gene (c.948_949ins?), causing a frameshift at codon 316 (p.Phe316fs). The exact size and sequence of the insertion cannot be determined by the current assay. However, the insertion is expected to result in an absent or disrupted protein product. This variant is not present in population databases (gnomAD no frequency). This variant has not been reported in the literature in individuals affected with NGLY1-related conditions. Retrotransposon insertions including LINE1 (L1), Alu, and SVA (SINE-VNTR-Alu) have been reported to be disease-causing through disruption of either a coding region or splice site (PMID: 19763152, 20307669, 22406018) and loss-of-function variants in NGLY1 are known to be pathogenic (PMID: 24651605). For these reasons, this variant has been classified as Pathogenic.

Literature cited by the submitters: PubMed 19763152; PubMed 20307669; PubMed 22406018; PubMed 24651605.